The following is an entry in ClinVar:

NM_032608.7(MYO18B):c.3283C>T (p.Arg1095Trp)

Gene: MYO18B (myosin XVIIIB; plus strand). Cytogenetic location: 22q12.1.
Variant type: single nucleotide variant.
Coding change: c.3283C>T on transcript NM_032608.7 (MANE Select); coding-DNA position 3283, C replaced by T.
Protein change: p.Arg1095Trp; replaces arginine 1095 with tryptophan.
Molecular consequence: missense variant.
Genome position (GRCh38, 1-based): chr22:25,843,809, C>T. VCF-style: chr22-25843809-C-T. GRCh37 (hg19) VCF-style: chr22-26239776-C-T.
Other names: c.3286C>T, p.Arg1096Trp (NM_001318245.2); c.3283C>T (NM_032608.5); short protein forms R1095W, R1096W.
Identifiers: ClinVar variation 1421710 (VCV001421710.4), dbSNP rs1231970494, ClinGen allele CA410997947.

ClinVar aggregate classification (germline): Uncertain significance. Review status: criteria provided, multiple submitters, no conflicts (2 of 4 stars). 2 submissions from 2 submitters: Uncertain significance (2). Last evaluated 2025-09-28.

Conditions:
Inborn genetic diseases. Identifiers: MedGen C0950123, MeSH D030342.

Allele frequency attached by ClinVar (database versions not stated): gnomAD 0.00001; TOPMed 0.00002; gnomAD exomes 0.00001.
gnomAD v4.1: 23 of 1,613,734 alleles (0.0014%); highest among the groups gnomAD compares: South Asian, 0.0022%; no homozygotes.

Submissions (2):

Ambry Genetics
Classification: Uncertain significance for Inborn genetic diseases. Last evaluated: 2025-09-28. Review status: criteria provided, single submitter. Criteria: Ambry Variant Classification Scheme 2023. Collection method: clinical testing. Allele origin: germline.

Labcorp Genetics (formerly Invitae), Labcorp
Classification: Uncertain significance. Last evaluated: 2022-04-04. Review status: criteria provided, single submitter. Criteria: Invitae Variant Classification Sherloc (09022015). Collection method: clinical testing. Allele origin: germline.
Comment: This sequence change replaces arginine, which is basic and polar, with tryptophan, which is neutral and slightly polar, at codon 1095 of the MYO18B protein (p.Arg1095Trp). This variant is present in population databases (no rsID available, gnomAD 0.004%). This variant has not been reported in the literature in individuals affected with MYO18B-related conditions. Algorithms developed to predict the effect of missense changes on protein structure and function are either unavailable or do not agree on the potential impact of this missense change (SIFT: "Not Available"; PolyPhen-2: "Probably Damaging"; Align-GVGD: "Not Available"). In summary, the available evidence is currently insufficient to determine the role of this variant in disease. Therefore, it has been classified as a Variant of Uncertain Significance.